The following is an entry in ClinVar:

NM_032638.5(GATA2):c.107C>T (p.Pro36Leu)

Gene: GATA2 (GATA binding protein 2; minus strand). Cytogenetic location: 3q21.3.
Variant type: single nucleotide variant.
Coding change: c.107C>T on transcript NM_032638.5 (MANE Select); coding-DNA position 107, C replaced by T.
Protein change: p.Pro36Leu; replaces proline 36 with leucine.
Molecular consequence: missense variant.
Genome position (GRCh38, 1-based): chr3:128,486,925, G>A on the plus strand (C>T on the coding strand, the complement: GATA2 is on the minus strand). VCF-style: chr3-128486925-G-A. GRCh37 (hg19) VCF-style: chr3-128205768-G-A.
Other names: c.107C>T, p.Pro36Leu (NM_001145661.2, NM_001145662.1); short protein forms P36L.
Identifiers: ClinVar variation 4028479 (VCV004028479.1).

ClinVar aggregate classification (germline): Uncertain significance (1 of 4 stars; one submission).

Conditions:
Inborn genetic diseases. Identifiers: MedGen C0950123, MeSH D030342.

Submission:

Ambry Genetics
Classification: Uncertain significance for Inborn genetic diseases. Last evaluated: 2025-04-03. Review status: criteria provided, single submitter. Criteria: Ambry Variant Classification Scheme 2023. Collection method: clinical testing. Allele origin: germline.
Comment: The p.P36L variant (also known as c.107C>T), located in coding exon 1 of the GATA2 gene, results from a C to T substitution at nucleotide position 107. The proline at codon 36 is replaced by leucine, an amino acid with similar properties. This amino acid position is conserved. In addition, this alteration is predicted to be deleterious by in silico analysis. Based on the available evidence, the clinical significance of this variant remains unclear.